The following is an entry in ClinVar:

NM_020822.3(KCNT1):c.3247G>C (p.Ala1083Pro)

Gene: KCNT1 (potassium sodium-activated channel subfamily T member 1; plus strand). Cytogenetic location: 9q34.3.
Variant type: single nucleotide variant.
Coding change: c.3247G>C on transcript NM_020822.3 (MANE Select); coding-DNA position 3247, G replaced by C.
Protein change: p.Ala1083Pro; replaces alanine 1083 with proline.
Molecular consequence: missense variant.
Genome position (GRCh38, 1-based): chr9:135,786,266, G>C. VCF-style: chr9-135786266-G-C. GRCh37 (hg19) VCF-style: chr9-138678112-G-C.
Other names: c.3112G>C, p.Ala1038Pro (NM_001272003.2); short protein forms A1083P, A1038P.
Identifiers: ClinVar variation 626126 (VCV000626126.3), dbSNP rs917893164, ClinGen allele CA375491577.

ClinVar aggregate classification (germline): Uncertain significance (1 of 4 stars; one submission).

Conditions:
Developmental and epileptic encephalopathy, 14 (DEE14). Also called: Early infantile epileptic encephalopathy 14. Identifiers: Orphanet 293181, MedGen C3554195, MONDO:0013989, OMIM 614959.
Autosomal dominant nocturnal frontal lobe epilepsy 5. Also called: Epilepsy, nocturnal frontal lobe, 5; KCNT1-Related Epilepsy; CILIARY DYSKINESIA, PRIMARY, 28, WITHOUT SITUS INVERSUS; CILIARY DYSKINESIA, PRIMARY, 28, WITH SITUS INVERSUS. Identifiers: Orphanet 98784, MedGen C3554306, MONDO:0014002, OMIM 615005.

Submission:

Center for Genomics, Ann and Robert H. Lurie Children's Hospital of Chicago
Classification: Uncertain significance for Developmental and epileptic encephalopathy, 14; Autosomal dominant nocturnal frontal lobe epilepsy 5. Review status: criteria provided, single submitter. Criteria: ACMG Guidelines, 2015. Collection method: clinical testing. Allele origin: germline.
Comment: KCNT1 NM_020822 exon 29 p.Ala1083Pro (c.3247G>C): This variant has not been reported in the literature and is not present in large control databases. Evolutionary conservation and computational predictive tools suggest that this variant may not impact the protein. In summary, data on this variant is insufficient for disease classification. Therefore, the clinical significance of this variant is uncertain